The following is an entry in ClinVar:

ClinVar aggregate classification (germline): Pathogenic (1 of 4 stars; one submission).

Submission:

Labcorp Genetics (formerly Invitae), Labcorp
Classification: Pathogenic. Last evaluated: 2022-06-27. Review status: criteria provided, single submitter. Criteria: Invitae Variant Classification Sherloc (09022015). Collection method: clinical testing. Allele origin: germline.
Comment: For these reasons, this variant has been classified as Pathogenic. This variant has not been reported in the literature in individuals affected with ARID1B-related conditions. This variant is a gross deletion of the genomic region encompassing exon(s) 17 of the ARID1B gene. This deletion is out-of-frame, and is expected to create a premature termination codon and result in an absent or disrupted protein product. Loss-of-function variants in ARID1B are known to be pathogenic (PMID: 25674384, 30349098).

Literature cited by the submitters: PubMed 25674384; PubMed 30349098.

NC_000006.11:g.(?_157519925)_(157520061_?)del

Gene: ARID1B (AT-rich interaction domain 1B; plus strand). Cytogenetic location: 6q25.3.
Variant type: Deletion.
Identifiers: ClinVar variation 1458277 (VCV001458277.5).